The following is an entry in ClinVar:

NM_002637.4(PHKA1):c.3443T>G (p.Ile1148Ser)

Gene: PHKA1 (phosphorylase kinase regulatory subunit alpha 1; minus strand). Cytogenetic location: Xq13.1.
Variant type: single nucleotide variant.
Coding change: c.3443T>G on transcript NM_002637.4 (MANE Select); coding-DNA position 3443, T replaced by G.
Protein change: p.Ile1148Ser; replaces isoleucine 1148 with serine.
Molecular consequence: missense variant.
Genome position (GRCh38, 1-based): chrX:72,582,453, A>C on the plus strand (T>G on the coding strand, the complement: PHKA1 is on the minus strand). VCF-style: chrX-72582453-A-C. GRCh37 (hg19) VCF-style: chrX-71802303-A-C.
Other names: c.3404T>G, p.Ile1135Ser (NM_001122670.2); c.3227T>G, p.Ile1076Ser (NM_001172436.2); short protein forms I1148S, I1076S, I1135S.
Identifiers: ClinVar variation 432361 (VCV000432361.11), dbSNP rs782365144, ClinGen allele CA10450458.

ClinVar aggregate classification (germline): Uncertain significance. Review status: criteria provided, multiple submitters, no conflicts (2 of 4 stars). 3 submissions from 3 submitters: Uncertain significance (3). Last evaluated 2025-12-22.

Conditions:
Inborn genetic diseases. Identifiers: MedGen C0950123, MeSH D030342.
Glycogen storage disease IXd (GSD9D). Also called: GSD IXd; Muscle Phosphorylase Kinase Deficiency. Identifiers: Orphanet 715, MedGen C1845151, MONDO:0010362, OMIM 300559.

Allele frequency attached by ClinVar (database versions not stated): gnomAD exomes 0.00001 and 0.00005; ExAC 0.00002; gnomAD 0.00014 and 0.00015; TOPMed 0.00014.
gnomAD v4.1: 32 of 1,205,241 alleles (0.0027%); highest among the groups gnomAD compares: African/African-American, 0.047%; no homozygotes.

Submissions (3):

Labcorp Genetics (formerly Invitae), Labcorp
Classification: Uncertain significance for Glycogen storage disease IXd. Last evaluated: 2025-12-22. Review status: criteria provided, single submitter. Criteria: Invitae Variant Classification Sherloc (09022015). Collection method: clinical testing. Allele origin: germline.
Comment: This sequence change replaces isoleucine, which is neutral and non-polar, with serine, which is neutral and polar, at codon 1148 of the PHKA1 protein (p.Ile1148Ser). This variant is present in population databases (rs782365144, gnomAD 0.04%). This missense change has been observed in individual(s) with clinical features of PHKA1-related conditions (internal data). ClinVar contains an entry for this variant (Variation ID: 432361). An algorithm developed to predict the effect of missense changes on protein structure and function (PolyPhen-2) suggests that this variant is likely to be tolerated. In summary, the available evidence is currently insufficient to determine the role of this variant in disease. Therefore, it has been classified as a Variant of Uncertain Significance.

Ambry Genetics
Classification: Uncertain significance for Inborn genetic diseases. Last evaluated: 2025-05-26. Review status: criteria provided, single submitter. Criteria: Ambry Variant Classification Scheme 2023. Collection method: clinical testing. Allele origin: germline.

GeneDx
Classification: Uncertain significance. Last evaluated: 2018-08-22. Review status: criteria provided, single submitter. Criteria: GeneDx Variant Classification (06012015). Collection method: clinical testing. Allele origin: germline. Affected: yes.
Comment: A variant of uncertain significance has been identified in the PHKA1 gene. The I1148S variant has not been published as a pathogenic variant, nor has it been reported as a benign variant to our knowledge. The I1148S variant is observed in 2/8502 (0.02%) alleles from individuals of African background (Lek et al., 2016; 1000 Genomes Consortium et al., 2015; Exome Variant Server). The I1148S variant is a non-conservative amino acid substitution, which is likely to impact secondary protein structure as these residues differ in polarity, charge, size and/or other properties. This substitution occurs at a position that is conserved across species and in silico analysis predicts this variant is probably damaging to the protein structure/function. However, missense variants in nearby residues have not been reported in Human Gene Mutation Database in association with PHKA1-related disorders (Stenson et al., 2014). Therefore, based on the currently available information, it is unclear whether this variant is a pathogenic variant or a rare benign variant.